The following is an entry in ClinVar:

NM_005996.4(TBX3):c.559C>G (p.His187Asp)

Gene: TBX3 (T-box transcription factor 3; minus strand). Cytogenetic location: 12q24.21.
Variant type: single nucleotide variant.
Coding change: c.559C>G on transcript NM_005996.4 (MANE Select); coding-DNA position 559, C replaced by G.
Protein change: p.His187Asp; replaces histidine 187 with aspartic acid.
Molecular consequence: missense variant.
Genome position (GRCh38, 1-based): chr12:114,680,977, G>C on the plus strand (C>G on the coding strand, the complement: TBX3 is on the minus strand). VCF-style: chr12-114680977-G-C. GRCh37 (hg19) VCF-style: chr12-115118782-G-C.
Other names: c.559C>G (NM_005996.3, NM_016569.3); c.559C>G, p.His187Asp (NM_016569.4); short protein forms H187D.
Identifiers: ClinVar variation 2906039 (VCV002906039.5), dbSNP rs767991404, ClinGen allele CA386871356.
Genomic context (GRCh38, chr12:114,680,977, plus strand): 5'-GTTTGTGGAAAGTGACGACTTTGGACATCCACTGTTCCCCAGTAGCGGGGCTGTCCGGGT[G>C]AATGTACATCCTCTTTGGCATTTCGGGGTCGGCCTTACCAGCCACCATCCACCGAGAATT-3'
Protein context (NP_005987.3, residues 177-197): DPEMPKRMYI[His187Asp]PDSPATGEQW

ClinVar aggregate classification (germline): Uncertain significance. Review status: criteria provided, multiple submitters, no conflicts (2 of 4 stars). 3 submissions from 3 submitters: Uncertain significance (3). Last evaluated 2026-07-28.

Conditions:
TBX3-related disorder. Also called: TBX3-related condition.
Ulnar-mammary syndrome (UMS). Also called: Ulnar-mammary syndrome of Pallister; SCHINZEL SYNDROME; PALLISTER ULNAR-MAMMARY SYNDROME. Identifiers: Orphanet 3138, MedGen C1866994, MONDO:0008411, OMIM 181450.

Submissions (3):

PreventionGenetics, part of Exact Sciences
Classification: Uncertain significance for TBX3-related condition. Last evaluated: 2026-07-28. Review status: criteria provided, single submitter. Criteria: ACMG Guidelines, 2015. Collection method: clinical testing. Allele origin: germline.
Comment: The TBX3 c.559C>G variant is predicted to result in the amino acid substitution p.His187Asp. To our knowledge, this variant has not been reported in the literature or in a large population database (gnomAD), indicating this variant is rare. At this time, the clinical significance of this variant is uncertain due to the absence of conclusive functional and genetic evidence.

GeneDx
Classification: Uncertain significance. Last evaluated: 2024-09-05. Review status: criteria provided, single submitter. Criteria: GeneDx Variant Classification Process June 2021. Collection method: clinical testing. Allele origin: germline. Affected: yes.
Comment: Not observed at significant frequency in large population cohorts (gnomAD); In silico analysis supports that this missense variant has a deleterious effect on protein structure/function; Has not been previously published as pathogenic or benign to our knowledge

Labcorp Genetics (formerly Invitae), Labcorp
Classification: Uncertain significance for Ulnar-mammary syndrome. Last evaluated: 2023-04-21. Review status: criteria provided, single submitter. Criteria: Invitae Variant Classification Sherloc (09022015). Collection method: clinical testing. Allele origin: germline.
Comment: In summary, the available evidence is currently insufficient to determine the role of this variant in disease. Therefore, it has been classified as a Variant of Uncertain Significance. An algorithm developed to predict the effect of missense changes on protein structure and function (PolyPhen-2) suggests that this variant is likely to be disruptive. This variant has not been reported in the literature in individuals affected with TBX3-related conditions. This variant is not present in population databases (gnomAD no frequency). This sequence change replaces histidine, which is basic and polar, with aspartic acid, which is acidic and polar, at codon 187 of the TBX3 protein (p.His187Asp).